The following is an entry in ClinVar:

ClinVar aggregate classification (germline): Uncertain significance (1 of 4 stars; one submission).

Conditions:
Autosomal dominant childhood-onset proximal spinal muscular atrophy with contractures (SMALED2A). Also called: SPINAL MUSCULAR ATROPHY, LOWER EXTREMITY-PREDOMINANT, 2A, CHILDHOOD ONSET, AUTOSOMAL DOMINANT; Spinal muscular atrophy, lower extremity-predominant, 2A, autosomal dominant. Identifiers: Orphanet 363447, Orphanet 363454, MedGen C4747715, MONDO:0014121, OMIM 615290.

Allele frequency attached by ClinVar (database versions not stated): gnomAD exomes 0.00001; ExAC 0.00002.
gnomAD v4.1: 4 of 1,607,294 alleles (0.00025%); highest among the groups gnomAD compares: Non-Finnish European, 0.00034%; no homozygotes.

Submission:

Labcorp Genetics (formerly Invitae), Labcorp
Classification: Uncertain significance for Autosomal dominant childhood-onset proximal spinal muscular atrophy with contractures. Last evaluated: 2022-05-27. Review status: criteria provided, single submitter. Criteria: Invitae Variant Classification Sherloc (09022015). Collection method: clinical testing. Allele origin: germline.
Comment: This sequence change replaces proline, which is neutral and non-polar, with histidine, which is basic and polar, at codon 575 of the BICD2 protein (p.Pro575His). This variant is present in population databases (rs755545048, gnomAD 0.002%). This variant has not been reported in the literature in individuals affected with BICD2-related conditions. Advanced modeling of protein sequence and biophysical properties (such as structural, functional, and spatial information, amino acid conservation, physicochemical variation, residue mobility, and thermodynamic stability) performed at Invitae indicates that this missense variant is not expected to disrupt BICD2 protein function. In summary, the available evidence is currently insufficient to determine the role of this variant in disease. Therefore, it has been classified as a Variant of Uncertain Significance.

NM_001003800.2(BICD2):c.1724C>A (p.Pro575His)

Gene: BICD2 (BICD cargo adaptor 2; minus strand). Cytogenetic location: 9q22.31.
Variant type: single nucleotide variant.
Coding change: c.1724C>A on transcript NM_001003800.2 (MANE Select); coding-DNA position 1724, C replaced by A.
Protein change: p.Pro575His; replaces proline 575 with histidine.
Molecular consequence: missense variant.
Genome position (GRCh38, 1-based): chr9:92,718,921, G>T on the plus strand (C>A on the coding strand, the complement: BICD2 is on the minus strand). VCF-style: chr9-92718921-G-T. GRCh37 (hg19) VCF-style: chr9-95481203-G-T.
Other names: c.1724C>A, p.Pro575His (NM_015250.4); short protein forms P575H.
Identifiers: ClinVar variation 1985252 (VCV001985252.4), dbSNP rs755545048, ClinGen allele CA5126499.
Genomic context (GRCh38, chr9:92,718,921, plus strand): 5'-GCCTCAGGAGCCAGCAGCCCCTTGGGTAGGAGGATGGGTGAGCGCCGGCCACGCGCCTCG[G>T]GGCTGGTGCGGCCCCCGGGACTGGTGCGGCCGGCCCCGCCCTGGCCCTCGCGGTAGTAGT-3'
Protein context (NP_001003800.1, residues 565-585): GRTSPGGRTS[Pro575His]EARGRRSPIL